The following is an entry in ClinVar:

ClinVar aggregate classification (germline): Pathogenic (1 of 4 stars; one submission).

Conditions:
Hereditary spastic paraplegia 56. Also called: SPASTIC PARAPLEGIA 56, AUTOSOMAL RECESSIVE, WITH OR WITHOUT PSEUDOXANTHOMA ELASTICUM; Spastic paraplegia 56, autosomal recessive; Spastic Paraplegia 56. Identifiers: Orphanet 320411, MedGen C3539507, MONDO:0014015, OMIM 615030.

Submission:

Cellular and Molecular Research Center, Cellular and Molecular Medicine Research Institute,, Urmia University of Medical Sciences
Classification: Pathogenic for Hereditary spastic paraplegia 56. Last evaluated: 2026-10-14. Review status: criteria provided, single submitter. Criteria: ACMG Guidelines, 2015. Collection method: clinical testing. Allele origin: germline. Inheritance: Autosomal recessive inheritance. Affected: yes. Observed: 1 variant allele, 1 homozygote.
Comment: The CYP2U1 gene encodes a cytochrome P450 enzyme involved in the metabolism of long-chain fatty acids, including arachidonic acid and docosahexaenoic acid. These lipid pathways are important for normal neuronal function. The association between biallelic CYP2U1 variants and autosomal recessive hereditary spastic paraplegia type 56 (SPG56; OMIM: 615030) was first reported in 2012.The variant c.604_606del is a deletion of three consecutive nucleotides: GAA. It is an in-frame, three-base-pair deletion (not a frameshift), predicted to remove one amino acid, glutamic acid at position 202, from the protein: p.(Glu202del). Genetic testing identified a homozygous in-frame deletion in CYP2U1 (NM_183075.3:exon2:c.604_606del, p.Glu202del; chr4:107945080). The variant is not listed in ClinVar or InterVar, whereas VarSome classifies it as pathogenic (PP4 at supportive strength). Given the appropriate segregation in the family and the compatible phenotype, this study supports its classification as pathogenic.

Literature cited by the submitters: DOI 10.1016/j.ajhg.2012.11.001.

NM_183075.3(CYP2U1):c.601GAG[1] (p.Glu202del)

Gene: CYP2U1 (cytochrome P450 family 2 subfamily U member 1; plus strand). Cytogenetic location: 4q25.
Variant type: Microsatellite.
Coding change: c.601GAG[1] on transcript NM_183075.3 (MANE Select); one copy of the 3-base unit GAG starting at c.601; the reference has two copies in a row; one copy, 3 bases deleted; also written c.604_606del.
Protein change: p.Glu202del; deletes glutamic acid 202.
Molecular consequence: inframe deletion.
Genome position (GRCh38, 1-based): chr4:107,945,083-107,945,085, GAG deleted; deleting any 3 consecutive bases within chr4:107,945,080-107,945,085 gives the same sequence; the position shown is the placement nearest the transcript's 3' end. VCF-style (leftmost placement, unchanged base first): chr4-107945079-TGAG-T. GRCh37 (hg19) VCF-style: chr4-108866235-TGAG-T.
Other names: c.604_606del (NM_183075.3); short protein forms E202del.
Identifiers: ClinVar variation 5042605 (VCV005042605.1).
Genomic context (GRCh38, chr4:107,945,079, plus strand): 5'-CTCTCATTCAACTCTTCGTCATTTTGGGTTGGGAAAACTTAGCTTGGAGCCCAAGATTAT[TGAG>T]GAGTTCAAATATGTGAAAGCAGAAATGCAAAAGCACGGAGAAGACCCCTTCTGCCCTTTC-3'